The following is an entry in ClinVar:

ClinVar aggregate classification (germline): Uncertain significance. Review status: criteria provided, multiple submitters, no conflicts (2 of 4 stars). 2 submissions from 2 submitters: Uncertain significance (2). Last evaluated 2025-04-17.

Allele frequency attached by ClinVar (database versions not stated): gnomAD exomes 0.00004 and 0.00012; 1000 Genomes Project 30x 0.00031; ExAC 0.00012; TOPMed 0.00013; ESP Exome Variant Server 0.00008; 1000 Genomes Project 0.00040; gnomAD 0.00019.
gnomAD v4.1: 86 of 1,612,432 alleles (0.0053%); highest among the groups gnomAD compares: African/African-American, 0.033%; no homozygotes.

Submissions (2):

Ambry Genetics
Classification: Uncertain significance. Last evaluated: 2025-04-17. Review status: criteria provided, single submitter. Criteria: Ambry Variant Classification Scheme 2023. Collection method: clinical testing. Allele origin: germline.

Labcorp Genetics (formerly Invitae), Labcorp
Classification: Uncertain significance. Last evaluated: 2022-03-26. Review status: criteria provided, single submitter. Criteria: Invitae Variant Classification Sherloc (09022015). Collection method: clinical testing. Allele origin: germline.
Comment: This sequence change replaces valine, which is neutral and non-polar, with methionine, which is neutral and non-polar, at codon 85 of the CIB1 protein (p.Val85Met). This variant is present in population databases (rs190155231, gnomAD 0.06%). This variant has not been reported in the literature in individuals affected with CIB1-related conditions. Algorithms developed to predict the effect of missense changes on protein structure and function output the following: SIFT: "Tolerated"; PolyPhen-2: "Not Available"; Align-GVGD: "Class C0". The methionine amino acid residue is found in multiple mammalian species, which suggests that this missense change does not adversely affect protein function. In summary, the available evidence is currently insufficient to determine the role of this variant in disease. Therefore, it has been classified as a Variant of Uncertain Significance.

NM_006384.4(CIB1):c.133G>A (p.Val45Met)

Gene: CIB1 (calcium and integrin binding 1; minus strand). Cytogenetic location: 15q26.1.
Variant type: single nucleotide variant.
Coding change: c.133G>A on transcript NM_006384.4 (MANE Select); coding-DNA position 133, G replaced by A.
Protein change: p.Val45Met; replaces valine 45 with methionine.
Molecular consequence: missense variant. On other transcripts: non-coding transcript variant (2).
Genome position (GRCh38, 1-based): chr15:90,232,281, C>T on the plus strand (G>A on the coding strand, the complement: CIB1 is on the minus strand). VCF-style: chr15-90232281-C-T. GRCh37 (hg19) VCF-style: chr15-90775513-C-T.
Other names: c.253G>A, p.Val85Met (NM_001277764.2); c.133G>A (NM_006384.3); short protein forms V45M, V85M.
Identifiers: ClinVar variation 1445561 (VCV001445561.4), dbSNP rs190155231, ClinGen allele CA7734305.